The following is an entry in ClinVar:

ClinVar aggregate classification (germline): Pathogenic (1 of 4 stars; one submission).

Conditions:
Familial adenomatous polyposis 1 (FAP1). Also called: POLYPOSIS, ADENOMATOUS INTESTINAL; FAMILIAL ADENOMATOUS POLYPOSIS 1, ATTENUATED. Identifiers: MedGen C2713442, MONDO:0021056, OMIM 175100. Disease mechanism: loss of function.

Submission:

Labcorp Genetics (formerly Invitae), Labcorp
Classification: Pathogenic for Familial adenomatous polyposis 1. Last evaluated: 2016-11-09. Review status: criteria provided, single submitter. Criteria: Invitae Variant Classification Sherloc (09022015). Collection method: clinical testing. Allele origin: germline.
Comment: This sequence change inserts an L1 retrotransposon in exon 16 of the APC mRNA (c.4067_4068insL1), causing a frameshift at codon 1356 (p.Ser1356fs). While this is not anticipated to result in nonsense mediated decay, it is expected to disrupt the last 1,487 amino acids of the APC protein. For these reasons, this variant has been classified as Pathogenic. Several different truncating variants downstream of this variant (p.Arg1450*, p.Glu1464Valfs*8, p.Asp1715Glufs*29) have been determined to be pathogenic (PMID: 20223039, 20685668, 23159591). This suggests that disruption of this region of the APC protein is causative of disease. This variant has not been reported in the literature in individuals with a APC-related disease.

Literature cited by the submitters: PubMed 20223039; PubMed 20685668; PubMed 23159591.

NM_000038.6(APC):c.4067_4068insTTTTTTTTTTTTTTTTTTTTTTTTTTTTTTTTTTTTTTTTNNTTGTTGGTTTAAAGTCTGTTTTATCAGAGACTAGGATTGCAACCCCTGCCTTTTTTTGTTTTCCATTGGCTTGGTAGATCTTCCTCCA (p.Ser1356_Gly1357insPhePhePhePhePhePhePhePhePhePhePhePhePheXaaCysTrpPheLysValCysPheIleArgAspTer)

Gene: APC (APC regulator of Wnt signaling pathway; plus strand). Cytogenetic location: 5q22.2.
Variant type: Insertion.
Coding change: c.4067_4068insTTTTTTTTTTTTTTTTTTTTTTTTTTTTTTTTTTTTTTTTNNTTGTTGGTTTAAAGTCTGTTTTATCAGAGACTAGGATTGCAACCCCTGCCTTTTTTTGTTTTCCATTGGCTTGGTAGATCTTCCTCCA on transcript NM_000038.6 (MANE Select); coding-DNA positions 4067 to 4068, TTTTTTTTTTTTTTTTTTTTTTTTTTTTTTTTTTTTTTTTNNTTGTTGGTTTAAAGTCTGTTTTATCAGAGACTAGGATTGCAACCCCTGCCTTTTTTTGTTTTCCATTGGCTTGGTAGATCTTCCTCCA inserted.
Protein change: p.Ser1356_Gly1357insPhePhePhePhePhePhePhePhePhePhePhePhePheXaaCysTrpPheLysValCysPheIleArgAspTer.
Molecular consequence: nonsense, inframe insertion.
Genome position: GRCh38: chr5:112,839,661-112,839,662. GRCh37 (hg19): chr5:112,175,358-112,175,359.
Other names: c.4067_4068insTTTTTTTTTTTTTTTTTTTTTTTTTTTTTTTTTTTTTTTTNNTTGTTGGTTTAAAGTCTGTTTTATCAGAGACTAGGATTGCAACCCCTGCCTTTTTTTGTTTTCCATTGGCTTGGTAGATCTTCCTCCA, p.Ser1356_Gly1357insPhePhePhePhePhePhePhePhePhePhePhePhePheXaaCysTrpPheLysValCysPheIleArgAspTer (NM_001127510.3, NM_001354895.2); c.4013_4014insTTTTTTTTTTTTTTTTTTTTTTTTTTTTTTTTTTTTTTTTNNTTGTTGGTTTAAAGTCTGTTTTATCAGAGACTAGGATTGCAACCCCTGCCTTTTTTTGTTTTCCATTGGCTTGGTAGATCTTCCTCCA, p.Ser1338_Gly1339insPhePhePhePhePhePhePhePhePhePhePhePhePheXaaCysTrpPheLysValCysPheIleArgAspTer (NM_001127511.3); c.4121_4122insTTTTTTTTTTTTTTTTTTTTTTTTTTTTTTTTTTTTTTTTNNTTGTTGGTTTAAAGTCTGTTTTATCAGAGACTAGGATTGCAACCCCTGCCTTTTTTTGTTTTCCATTGGCTTGGTAGATCTTCCTCCA, p.Ser1374_Gly1375insPhePhePhePhePhePhePhePhePhePhePhePhePheXaaCysTrpPheLysValCysPheIleArgAspTer (NM_001354896.2); c.4097_4098insTTTTTTTTTTTTTTTTTTTTTTTTTTTTTTTTTTTTTTTTNNTTGTTGGTTTAAAGTCTGTTTTATCAGAGACTAGGATTGCAACCCCTGCCTTTTTTTGTTTTCCATTGGCTTGGTAGATCTTCCTCCA, p.Ser1366_Gly1367insPhePhePhePhePhePhePhePhePhePhePhePhePheXaaCysTrpPheLysValCysPheIleArgAspTer (NM_001354897.2); c.3992_3993insTTTTTTTTTTTTTTTTTTTTTTTTTTTTTTTTTTTTTTTTNNTTGTTGGTTTAAAGTCTGTTTTATCAGAGACTAGGATTGCAACCCCTGCCTTTTTTTGTTTTCCATTGGCTTGGTAGATCTTCCTCCA, p.Ser1331_Gly1332insPhePhePhePhePhePhePhePhePhePhePhePhePheXaaCysTrpPheLysValCysPheIleArgAspTer (NM_001354898.2); c.3983_3984insTTTTTTTTTTTTTTTTTTTTTTTTTTTTTTTTTTTTTTTTNNTTGTTGGTTTAAAGTCTGTTTTATCAGAGACTAGGATTGCAACCCCTGCCTTTTTTTGTTTTCCATTGGCTTGGTAGATCTTCCTCCA, p.Ser1328_Gly1329insPhePhePhePhePhePhePhePhePhePhePhePhePheXaaCysTrpPheLysValCysPheIleArgAspTer (NM_001354899.2); c.3944_3945insTTTTTTTTTTTTTTTTTTTTTTTTTTTTTTTTTTTTTTTTNNTTGTTGGTTTAAAGTCTGTTTTATCAGAGACTAGGATTGCAACCCCTGCCTTTTTTTGTTTTCCATTGGCTTGGTAGATCTTCCTCCA, p.Ser1315_Gly1316insPhePhePhePhePhePhePhePhePhePhePhePhePheXaaCysTrpPheLysValCysPheIleArgAspTer (NM_001354900.2); c.3890_3891insTTTTTTTTTTTTTTTTTTTTTTTTTTTTTTTTTTTTTTTTNNTTGTTGGTTTAAAGTCTGTTTTATCAGAGACTAGGATTGCAACCCCTGCCTTTTTTTGTTTTCCATTGGCTTGGTAGATCTTCCTCCA, p.Ser1297_Gly1298insPhePhePhePhePhePhePhePhePhePhePhePhePheXaaCysTrpPheLysValCysPheIleArgAspTer (NM_001354901.2); and 5 more.
Identifiers: ClinVar variation 1070745 (VCV001070745.10), dbSNP rs2149905506.